The following is an entry in ClinVar:

ClinVar aggregate classification (germline): Uncertain significance (1 of 4 stars; one submission).

Conditions:
Ataxia-telangiectasia syndrome (AT). Also called: Cerebello-oculocutaneous telangiectasia; Immunodeficiency with ataxia telangiectasia; LOUIS-BAR SYNDROME; AT, COMPLEMENTATION GROUP C; ATAXIA-TELANGIECTASIA, COMPLEMENTATION GROUP A; ATAXIA-TELANGIECTASIA, FRESNO VARIANT. Identifiers: Orphanet 100, MedGen C0004135, MONDO:0008840, OMIM 208900.

Submission:

Labcorp Genetics (formerly Invitae), Labcorp
Classification: Uncertain significance for Ataxia-telangiectasia syndrome. Last evaluated: 2024-08-21. Review status: criteria provided, single submitter. Criteria: Invitae Variant Classification Sherloc (09022015). Collection method: clinical testing. Allele origin: germline.
Comment: This sequence change replaces lysine, which is basic and polar, with asparagine, which is neutral and polar, at codon 659 of the ATM protein (p.Lys659Asn). This variant is not present in population databases (gnomAD no frequency). This variant has not been reported in the literature in individuals affected with ATM-related conditions. ClinVar contains an entry for this variant (Variation ID: 937882). An algorithm developed to predict the effect of missense changes on protein structure and function (PolyPhen-2) suggests that this variant is likely to be tolerated. In summary, the available evidence is currently insufficient to determine the role of this variant in disease. Therefore, it has been classified as a Variant of Uncertain Significance.

NM_000051.4(ATM):c.1977G>C (p.Lys659Asn)

Gene: ATM (ATM serine/threonine kinase; plus strand). Cytogenetic location: 11q22.3.
Variant type: single nucleotide variant.
Coding change: c.1977G>C on transcript NM_000051.4 (MANE Select); coding-DNA position 1977, G replaced by C.
Protein change: p.Lys659Asn; replaces lysine 659 with asparagine.
Molecular consequence: missense variant.
Genome position (GRCh38, 1-based): chr11:108,253,892, G>C. VCF-style: chr11-108253892-G-C. GRCh37 (hg19) VCF-style: chr11-108124619-G-C.
Other names: c.1977G>C, p.Lys659Asn (NM_001351834.2); short protein forms K659N.
Identifiers: ClinVar variation 937882 (VCV000937882.9), dbSNP rs1060501565, ClinGen allele CA382536859.